The following is an entry in ClinVar:

NM_001127511.3(APC):c.-108C>T

Gene: APC (APC regulator of Wnt signaling pathway; plus strand). Cytogenetic location: 5q22.2.
Variant type: single nucleotide variant.
Coding change: c.-108C>T on transcript NM_001127511.3; 108 bases upstream of the start codon, C replaced by T.
Molecular consequence: 5 prime UTR variant. On other transcripts: non-coding transcript variant (2).
Genome position (GRCh38, 1-based): chr5:112,707,610, C>T. VCF-style: chr5-112707610-C-T. GRCh37 (hg19) VCF-style: chr5-112043307-C-T.
Other names: c.-291C>T (NM_001354895.2, NM_001407447.1, NM_001407452.1 and 3 more transcripts); c.-108C>T (NM_001354897.2, NM_001354902.2, NM_001407446.1); c.-58C>T (NM_001407448.1, NM_001407450.1, NM_001407457.1 and 1 more transcripts); c.-82C>T (NM_001407453.1); c.-1326C>T (NM_001407470.1, NM_001407472.1).
Identifiers: ClinVar variation 537627 (VCV000537627.8), dbSNP rs561513597, ClinGen allele CA658796614.
Genomic context (GRCh38, chr5:112,707,610, plus strand): 5'-GGCGGGGTGTGGCCGCCGGAAGCCTAGCCGCTGCTCGGGGGGGACCTGCGGGCTCAGGCC[C>T]GGGAGCTGCGGACCGAGGTTGGCTCGATGCTGTTCCCAGGTACTGTTGTTGGCTGTTGGT-3'

ClinVar aggregate classification (germline): Uncertain significance (1 of 4 stars; one submission).

Conditions:
Familial adenomatous polyposis 1 (FAP1). Also called: FAMILIAL ADENOMATOUS POLYPOSIS 1, ATTENUATED; POLYPOSIS, ADENOMATOUS INTESTINAL. Identifiers: MedGen C2713442, MONDO:0021056, OMIM 175100. Disease mechanism: loss of function.

gnomAD v4.1: 6 of 1,232,716 alleles (0.00049%); highest among the groups gnomAD compares: Non-Finnish European, 0.00065%; no homozygotes.

Submission:

Labcorp Genetics (formerly Invitae), Labcorp
Classification: Uncertain significance for Familial adenomatous polyposis 1. Last evaluated: 2025-12-09. Review status: criteria provided, single submitter. Criteria: Invitae Variant Classification Sherloc (09022015). Collection method: clinical testing. Allele origin: germline.
Comment: This variant occurs in a non-coding region of the APC gene. It does not change the encoded amino acid sequence of the APC protein. This variant is not present in population databases (gnomAD no frequency). This variant has not been reported in the literature in individuals affected with APC-related conditions. ClinVar contains an entry for this variant (Variation ID: 537627). Experimental studies and prediction algorithms are not available or were not evaluated, and the functional significance of this variant is currently unknown. In summary, the available evidence is currently insufficient to determine the role of this variant in disease. Therefore, it has been classified as a Variant of Uncertain Significance.